The following is an entry in ClinVar:

NM_006231.4(POLE):c.6748-1G>A

Gene: POLE (DNA polymerase epsilon, catalytic subunit; minus strand). Cytogenetic location: 12q24.33.
Variant type: single nucleotide variant.
Coding change: c.6748-1G>A on transcript NM_006231.4 (MANE Select); the canonical splice acceptor site of the intron before coding-DNA position 6748, G replaced by A.
Molecular consequence: splice acceptor variant.
Genome position (GRCh38, 1-based): chr12:132,624,811, C>T on the plus strand (G>A on the coding strand, the complement: POLE is on the minus strand). VCF-style: chr12-132624811-C-T. GRCh37 (hg19) VCF-style: chr12-133201397-C-T.
Identifiers: ClinVar variation 826597 (VCV000826597.5), dbSNP rs1593693662, ClinGen allele CA387365937.

ClinVar aggregate classification (germline): Uncertain significance (1 of 4 stars; one submission).

Conditions:
Hereditary cancer-predisposing syndrome. Also called: Hereditary Cancer Syndrome; Tumor predisposition; Neoplastic Syndromes, Hereditary; Hereditary neoplastic syndrome. Identifiers: Orphanet 140162, MedGen C0027672, MeSH D009386, MONDO:0015356.

Allele frequency attached by ClinVar (database versions not stated): gnomAD exomes below 0.00001.
gnomAD v4.1: 1 of 1,608,320 alleles (0.000062%); highest among the groups gnomAD compares: Non-Finnish European, 0.000085%; no homozygotes.

Submission:

Ambry Genetics
Classification: Uncertain significance for Hereditary cancer-predisposing syndrome. Last evaluated: 2026-02-05. Review status: criteria provided, single submitter. Criteria: Ambry Variant Classification Scheme 2023. Collection method: clinical testing. Allele origin: germline.
Comment: The c.6748-1G>A intronic variant results from a G to A substitution one nucleotide upstream from coding exon 49 of the POLE gene. This variant occurs at the 3' terminus of the gene, is not expected to trigger nonsense-mediated mRNAdecay and results in the elongation of the protein by 37 amino acids. This variant impacts the last 1.6% amino acids of the native protein. The exact functional effect of the altered amino acids is unknown. This nucleotide position is highly conserved in available vertebrate species. In silico splice site analysis predicts that this alteration will weaken the native splice acceptor site and will result in the creation or strengthening of a novel splice acceptor site. Based on the available evidence, the clinical significance of this variant remains unclear.